The following is an entry in ClinVar:

NM_001303256.3(MORC2):c.904+28G>C

Gene: MORC2 (MORC family CW-type zinc finger 2; minus strand). Cytogenetic location: 22q12.2.
Variant type: single nucleotide variant.
Coding change: c.904+28G>C on transcript NM_001303256.3 (MANE Select); 28 bases into the intron after coding-DNA position 904, G replaced by C.
Molecular consequence: intron variant.
Genome position (GRCh38, 1-based): chr22:30,940,730, C>G on the plus strand (G>C on the coding strand, the complement: MORC2 is on the minus strand). VCF-style: chr22-30940730-C-G. GRCh37 (hg19) VCF-style: chr22-31336717-C-G.
Other names: c.904+28G>C (NM_001303257.2); c.718+28G>C (NM_014941.3).
Identifiers: ClinVar variation 1297875 (VCV001297875.16), dbSNP rs200626561, ClinGen allele CA10187128.

ClinVar aggregate classification (germline): Benign/Likely benign. Review status: criteria provided, multiple submitters, no conflicts (2 of 4 stars). 2 submissions from 2 submitters: Benign (1); Likely benign (1). Last evaluated 2026-08-01.

Allele frequency attached by ClinVar (database versions not stated): 1000 Genomes Project 0.00080; 1000 Genomes Project 30x 0.00094; ESP Exome Variant Server 0.00200.
gnomAD v4.1: 4,449 of 1,607,186 alleles (0.28%); highest among the groups gnomAD compares: Non-Finnish European, 0.31%; 7 homozygotes.

Submissions (2):

CeGaT Center for Human Genetics Tuebingen
Classification: Likely benign. Last evaluated: 2026-08-01. Review status: criteria provided, single submitter. Criteria: CeGaT Center For Human Genetics Tuebingen Variant Classification Criteria Version 2. Collection method: clinical testing. Allele origin: germline. Affected: yes. Observed: 13 variant alleles.
Comment: MORC2: BS1

GeneDx
Classification: Benign. Last evaluated: 2020-08-13. Review status: criteria provided, single submitter. Criteria: GeneDx Variant Classification Process June 2021. Collection method: clinical testing. Allele origin: germline. Affected: yes.